The following is an entry in ClinVar:

NM_003998.4(NFKB1):c.1494G>C (p.Gln498His)

Gene: NFKB1 (nuclear factor kappa B subunit 1; plus strand). Cytogenetic location: 4q24.
Variant type: single nucleotide variant.
Coding change: c.1494G>C on transcript NM_003998.4 (MANE Select); coding-DNA position 1494, G replaced by C.
Protein change: p.Gln498His; replaces glutamine 498 with histidine.
Molecular consequence: missense variant.
Genome position (GRCh38, 1-based): chr4:102,596,331, G>C. VCF-style: chr4-102596331-G-C. GRCh37 (hg19) VCF-style: chr4-103517488-G-C.
Other names: c.1491G>C, p.Gln497His (NM_001165412.2, NM_001319226.2, NM_001382627.1); c.1494G>C, p.Gln498His (NM_001382625.1, NM_001382626.1); c.1452G>C, p.Gln484His (NM_001382628.1); short protein forms Q497H, Q498H, Q484H.
Identifiers: ClinVar variation 3009974 (VCV003009974.3), dbSNP rs751909408, ClinGen allele CA3026165.

ClinVar aggregate classification (germline): Uncertain significance (1 of 4 stars; one submission).

gnomAD v4.1: 8 of 1,598,984 alleles (0.0005%); highest among the groups gnomAD compares: Admixed American, 0.0034%; no homozygotes.

Submission:

Labcorp Genetics (formerly Invitae), Labcorp
Classification: Uncertain significance. Last evaluated: 2023-05-02. Review status: criteria provided, single submitter. Criteria: Invitae Variant Classification Sherloc (09022015). Collection method: clinical testing. Allele origin: germline.
Comment: In summary, the available evidence is currently insufficient to determine the role of this variant in disease. Therefore, it has been classified as a Variant of Uncertain Significance. An algorithm developed to predict the effect of missense changes on protein structure and function (PolyPhen-2) suggests that this variant is likely to be tolerated. This variant has not been reported in the literature in individuals affected with NFKB1-related conditions. This variant is present in population databases (rs751909408, gnomAD 0.006%). This sequence change replaces glutamine, which is neutral and polar, with histidine, which is basic and polar, at codon 498 of the NFKB1 protein (p.Gln498His).